The following is an entry in ClinVar:

ClinVar aggregate classification (germline): Uncertain significance (1 of 4 stars; one submission).

Conditions:
Inborn genetic diseases. Identifiers: MedGen C0950123, MeSH D030342.

Submission:

Ambry Genetics
Classification: Uncertain significance for Inborn genetic diseases. Last evaluated: 2025-07-11. Review status: criteria provided, single submitter. Criteria: Ambry Variant Classification Scheme 2023. Collection method: clinical testing. Allele origin: germline.
Comment: The p.T268I variant (also known as c.803C>T), located in coding exon 9 of the RTEL1 gene, results from a C to T substitution at nucleotide position 803. The threonine at codon 268 is replaced by isoleucine, an amino acid with similar properties. This amino acid position is conserved. In addition, this alteration is predicted to be deleterious by in silico analysis. Based on the available evidence, the clinical significance of this variant remains unclear.

NM_001283009.2(RTEL1):c.803C>T (p.Thr268Ile)

Genes: RTEL1 (regulator of telomere elongation helicase 1; plus strand), RTEL1-TNFRSF6B (RTEL1-TNFRSF6B readthrough (NMD candidate); plus strand). Cytogenetic location: 20q13.33.
Variant type: single nucleotide variant.
Coding change: c.803C>T on transcript NM_001283009.2 (MANE Select); coding-DNA position 803, C replaced by T.
Protein change: p.Thr268Ile; replaces threonine 268 with isoleucine.
Molecular consequence: missense variant. On other transcripts: non-coding transcript variant (1).
Genome position (GRCh38, 1-based): chr20:63,673,977, C>T. VCF-style: chr20-63673977-C-T. GRCh37 (hg19) VCF-style: chr20-62305330-C-T.
Other names: c.134C>T, p.Thr45Ile (NM_001283010.1); c.803C>T, p.Thr268Ile (NM_016434.4); c.875C>T, p.Thr292Ile (NM_032957.5); short protein forms T268I, T292I, T45I.
Identifiers: ClinVar variation 4157596 (VCV004157596.1).